The following is an entry in ClinVar:

ClinVar aggregate classification (germline): Pathogenic. Review status: criteria provided, multiple submitters, no conflicts (2 of 4 stars). 2 submissions from 2 submitters: Pathogenic (2). Last evaluated 2024-09-04.

Conditions:
Dent disease type 1 (DENT1). Also called: NEPHROLITHIASIS 2; NEPHROLITHIASIS, HYPERCALCIURIC, X-LINKED. Identifiers: Orphanet 1652, Orphanet 93622, MedGen C1848336, MONDO:0010225, OMIM 300009.

Submissions (2):

GeneDx
Classification: Pathogenic. Last evaluated: 2024-09-04. Review status: criteria provided, single submitter. Criteria: GeneDx Variant Classification Process June 2021. Collection method: clinical testing. Allele origin: germline. Affected: yes.
Comment: Frameshift variant predicted to result in protein truncation or nonsense mediated decay in a gene for which loss of function is a known mechanism of disease; Not observed at significant frequency in large population cohorts (gnomAD); This variant is associated with the following publications: (PMID: 32939031)

Victorian Clinical Genetics Services, Murdoch Childrens Research Institute
Classification: Pathogenic for Dent disease type 1. Last evaluated: 2018-10-24. Review status: criteria provided, single submitter. Criteria: ACMG Guidelines, 2015. Collection method: clinical testing. Allele origin: unknown. Affected: yes.
Comment: A hemizygous duplication variant, NM_000084.4(CLCN5):c.1119dupC, has been identified in exon 8 of 12 of the CLCN5 gene. This duplication is predicted to create a frameshift starting at amino acid position 374, introducing a stop codon two residues downstream (NP_000075.1(CLCN5):p. (Asn374Glnfs*2)). This variant is predicted to result in loss of protein function through nonsense mediated decay, which is a reported mechanism of pathogenicity for this gene. The variant is absent in population databases (gnomAD, dbSNP, 1000G) and has not been previously reported in clinical cases. However, many other upstream and downstream loss of function variants have been reported pathogenic (ClinVar). Based on the information available at the time of curation, this variant has been classified as PATHOGENIC.

NM_001127898.4(CLCN5):c.1329dup (p.Asn444fs)

Gene: CLCN5 (Cl-/H+ antiporter 5; plus strand). Cytogenetic location: Xp11.23.
Variant type: Duplication.
Coding change: c.1329dup on transcript NM_001127898.4 (MANE Select); coding-DNA position 1329, one base duplicated (C; older notation c.1329dupC).
Protein change: p.Asn444fs; shifts the reading frame from asparagine 444.
Molecular consequence: frameshift variant.
Genome position (GRCh38, 1-based): chrX:50,086,642, C duplicated; the last of 4 consecutive C bases (chrX:50,086,639-50,086,642); duplicating any one gives the same sequence. VCF-style (leftmost placement, unchanged base first): chrX-50086638-T-TC. GRCh37 (hg19) VCF-style: chrX-49851295-T-TC.
Other names: c.1119dup, p.Asn374fs (NM_000084.5); c.1329dup, p.Asn444fs (NM_001127899.4); c.1179dup, p.Asn394fs (NM_001282163.2); c.1119dup (NM_000084.2); short protein forms N374fs, N394fs, N444fs.
Identifiers: ClinVar variation 975851 (VCV000975851.4), dbSNP rs1933898062, ClinGen allele CA1139667544.
Genomic context (GRCh38, chrX:50,086,638, plus strand): 5'-TGGGCAAGTATCCTGTTATAGAGGTACTCGTCGTGACAGCCATCACTGCCATCCTGGCTT[T>TC]CCCCAATGAATACACTCGGATGAGCACAAGTGAGCTCATTTCTGAGCTGTTTAATGACTG-3'